The following is an entry in ClinVar:

ClinVar aggregate classification (germline): Pathogenic. Review status: criteria provided, multiple submitters, no conflicts (2 of 4 stars). 4 submissions from 4 submitters: Pathogenic (3). 1 of the submissions does not count toward it. Last evaluated 2024-03-21.

Conditions:
Epidermolysis bullosa, junctional 3A, intermediate. Also called: EPIDERMOLYSIS BULLOSA, JUNCTIONAL 3A, GENERALIZED INTERMEDIATE; EPIDERMOLYSIS BULLOSA, JUNCTIONAL 3A, NON-HERLITZ TYPE. Identifiers: MedGen C5676938, MONDO:0030748, OMIM 619785.
Epidermolysis bullosa, junctional 3B, severe. Also called: EPIDERMOLYSIS BULLOSA, JUNCTIONAL 3B, GENERALIZED SEVERE; EPIDERMOLYSIS BULLOSA, JUNCTIONAL 3B, HERLITZ TYPE. Identifiers: MedGen C5676939, MONDO:0030749, OMIM 619786.
Junctional epidermolysis bullosa. Identifiers: Orphanet 305, MedGen C0079301, MONDO:0017612.
Junctional epidermolysis bullosa gravis of Herlitz. Also called: EPIDERMOLYSIS BULLOSA, JUNCTIONAL 1B, SEVERE; Epidermolysis Bullosa Letalis; EPIDERMOLYSIS BULLOSA JUNCTIONALIS, HERLITZ TYPE; EPIDERMOLYSIS BULLOSA, JUNCTIONAL, HERLITZ-PEARSON TYPE; JEB-HERLITZ TYPE; Herlitz-type junctional epidermolysis bullosa. Identifiers: Orphanet 79404, MedGen C0079683, MONDO:0009182, OMIM 226700.

Allele frequency attached by ClinVar (database versions not stated): TOPMed below 0.00001.

Submissions (4):

Fulgent Genetics
Classification: Pathogenic for Epidermolysis bullosa, junctional 3A, intermediate; Epidermolysis bullosa, junctional 3B, severe. Last evaluated: 2024-03-21. Review status: criteria provided, single submitter. Criteria: ACMG Guidelines, 2015. Collection method: clinical testing. Allele origin: germline.

Labcorp Genetics (formerly Invitae), Labcorp
Classification: Pathogenic. Last evaluated: 2022-09-23. Review status: criteria provided, single submitter. Criteria: Invitae Variant Classification Sherloc (09022015). Collection method: clinical testing. Allele origin: germline.
Comment: This sequence change creates a premature translational stop signal (p.Lys594Asnfs*9) in the LAMC2 gene. It is expected to result in an absent or disrupted protein product. Loss-of-function variants in LAMC2 are known to be pathogenic (PMID: 11907499, 16473856). This variant is not present in population databases (gnomAD no frequency). This premature translational stop signal has been observed in individual(s) with clinical features of LAMC2-related conditions (PMID: 15373767, 31395954). This variant is also known as 1899delGC. ClinVar contains an entry for this variant (Variation ID: 550635). Algorithms developed to predict the effect of sequence changes on RNA splicing suggest that this variant may create or strengthen a splice site. For these reasons, this variant has been classified as Pathogenic.

Women's Health and Genetics/Laboratory Corporation of America, LabCorp
Classification: Pathogenic for Junctional epidermolysis bullosa. Last evaluated: 2020-12-07. Review status: criteria provided, single submitter. Criteria: LabCorp Variant Classification Summary - May 2015. Collection method: clinical testing. Allele origin: germline.
Comment: Variant summary: LAMC2 c.1782_1783delGC (p.Lys594AsnfsX9) results in a premature termination codon, predicted to cause a truncation of the encoded protein or absence of the protein due to nonsense mediated decay, which are commonly known mechanisms for disease. The variant was absent in 251460 control chromosomes. c.1782_1783delGC has been reported in the literature in individuals affected with Junctional Epidermolysis Bullosa (example, Posteraro_2004, Castori_2008, Wojcik_2019). These data indicate that the variant is likely to be associated with disease. At least one publication reports experimental evidence evaluating an impact on hemidesmosome-anchoring filament complexes (Castori_2008). The most pronounced variant effect results in complete absence of hemidesmosome staining by transmission electron microscopy of the basement membrane zone. One clinical diagnostic laboratory has submitted clinical-significance assessments for this variant to ClinVar after 2014 without evidence for independent evaluation and classified the variant as likely pathogenic. Based on the evidence outlined above, the variant was classified as pathogenic.

Counsyl
Classification: Likely pathogenic for Junctional epidermolysis bullosa gravis of Herlitz. Last evaluated: 2017-02-08. Review status: no assertion criteria provided. Collection method: clinical testing. Allele origin: unknown. Not counted in ClinVar's aggregate classification.

Literature cited by the submitters: PubMed 11907499 (cited by Labcorp Genetics (formerly Invitae), Labcorp); PubMed 16473856 (cited by Labcorp Genetics (formerly Invitae), Labcorp); PubMed 15373767 (cited by 3 submitters); PubMed 31395954 (cited by Labcorp Genetics (formerly Invitae), Labcorp and Women's Health and Genetics/Laboratory Corporation of America, LabCorp); PubMed 17916201 (cited by Women's Health and Genetics/Laboratory Corporation of America, LabCorp).

NM_005562.3(LAMC2):c.1782_1783del (p.Lys594fs)

Gene: LAMC2 (laminin subunit gamma 2; plus strand). Cytogenetic location: 1q25.3.
Variant type: Deletion.
Coding change: c.1782_1783del on transcript NM_005562.3 (MANE Select); coding-DNA positions 1782 to 1783, 2 bases deleted (GC; older notation c.1782_1783delGC).
Protein change: p.Lys594fs; shifts the reading frame from lysine 594.
Molecular consequence: frameshift variant.
Genome position (GRCh38, 1-based): chr1:183,231,028-183,231,029, GC deleted. VCF-style (leftmost placement, unchanged base first): chr1-183231027-AGC-A. GRCh37 (hg19) VCF-style: chr1-183200162-AGC-A.
Other names: c.1782_1783del, p.Lys594fs (NM_018891.3); short protein forms K594fs.
Identifiers: ClinVar variation 550635 (VCV000550635.12), dbSNP rs1553266871, ClinGen allele CA658821423.